The following is an entry in ClinVar:

ClinVar aggregate classification (germline): Uncertain significance (1 of 4 stars; one submission).

Allele frequency attached by ClinVar (database versions not stated): gnomAD exomes below 0.00001 and 0.00001; gnomAD 0.00001.
gnomAD v4.1: 22 of 1,609,116 alleles (0.0014%); highest among the groups gnomAD compares: Non-Finnish European, 0.0016%; no homozygotes.

Submission:

Labcorp Genetics (formerly Invitae), Labcorp
Classification: Uncertain significance. Last evaluated: 2019-12-19. Review status: criteria provided, single submitter. Criteria: Invitae Variant Classification Sherloc (09022015). Collection method: clinical testing. Allele origin: germline.
Comment: In summary, the available evidence is currently insufficient to determine the role of this variant in disease. Therefore, it has been classified as a Variant of Uncertain Significance. Algorithms developed to predict the effect of missense changes on protein structure and function are either unavailable or do not agree on the potential impact of this missense change (SIFT: "Tolerated"; PolyPhen-2: "Possibly Damaging"; Align-GVGD: "Class C0"). This variant has not been reported in the literature in individuals with PHYH-related conditions. This variant is not present in population databases (ExAC no frequency). This sequence change replaces threonine with alanine at codon 147 of the PHYH protein (p.Thr147Ala). The threonine residue is highly conserved and there is a small physicochemical difference between threonine and alanine.

NM_006214.4(PHYH):c.439A>G (p.Thr147Ala)

Gene: PHYH (phytanoyl-CoA 2-hydroxylase; minus strand). Cytogenetic location: 10p13.
Variant type: single nucleotide variant.
Coding change: c.439A>G on transcript NM_006214.4 (MANE Select); coding-DNA position 439, A replaced by G.
Protein change: p.Thr147Ala; replaces threonine 147 with alanine.
Molecular consequence: missense variant. On other transcripts: intron variant (1).
Genome position (GRCh38, 1-based): chr10:13,291,888, T>C on the plus strand (A>G on the coding strand, the complement: PHYH is on the minus strand). VCF-style: chr10-13291888-T-C. GRCh37 (hg19) VCF-style: chr10-13333888-T-C.
Other names: c.139A>G, p.Thr47Ala (NM_001037537.2, NM_001323080.2, NM_001323084.2); c.439A>G, p.Thr147Ala (NM_001323082.2); c.414+2540A>G (NM_001323083.2); short protein forms T47A, T147A.
Identifiers: ClinVar variation 863822 (VCV000863822.9), dbSNP rs1450273769, ClinGen allele CA376036407.